The following is an entry in ClinVar:

ClinVar aggregate classification (germline): Conflicting classifications of pathogenicity. Review status: criteria provided, conflicting classifications (1 of 4 stars). 7 submissions from 6 submitters: Uncertain significance (6); Benign (1). Last evaluated 2026-02-04.

Conditions:
Adams-Oliver syndrome 5 (AOS5). Identifiers: Orphanet 974, MedGen C4014970, MONDO:0014459, OMIM 616028.
Familial thoracic aortic aneurysm and aortic dissection (TAAD). Also called: Thoracic aortic aneurysms and dissections. Identifiers: Orphanet 91387, MedGen C4707243, MONDO:0019625.
Aortic valve disease 1 (AOVD1). Identifiers: MedGen C3887892, MONDO:0024523, OMIM 109730.
Connective tissue disorder. Also called: Connective tissue disease. Identifiers: MedGen C0009782, MONDO:0003900.

Allele frequency attached by ClinVar (database versions not stated): gnomAD exomes 0.00001 and 0.00002; ExAC 0.00002; TOPMed 0.00002.
gnomAD v4.1: 14 of 1,612,350 alleles (0.00087%); highest among the groups gnomAD compares: South Asian, 0.0066%; 1 homozygote.

Submissions (7):

Labcorp Genetics (formerly Invitae), Labcorp
Classification: Benign for Adams-Oliver syndrome 5. Last evaluated: 2026-02-04. Review status: criteria provided, single submitter. Criteria: Invitae Variant Classification Sherloc (09022015). Collection method: clinical testing. Allele origin: germline.

Ambry Genetics
Classification: Uncertain significance for Familial thoracic aortic aneurysm and aortic dissection. Last evaluated: 2025-10-05. Review status: criteria provided, single submitter. Criteria: Ambry Variant Classification Scheme 2023. Collection method: clinical testing. Allele origin: germline.
Comment: The p.R2272C variant (also known as c.6814C>T), located in coding exon 34 of the NOTCH1 gene, results from a C to T substitution at nucleotide position 6814. The arginine at codon 2272 is replaced by cysteine, an amino acid with highly dissimilar properties. This alteration has been reported in a neurodevelopmental disorder (NDD) cohort; however, clinical details were limited and additional alterations were identified in other associated genes (Wang T et al. J Genet Genomics, 2021 04;48:312-323). This amino acid position is highly conserved in available vertebrate species. In addition, this alteration is predicted to be deleterious by in silico analysis. Since supporting evidence is limited at this time, the clinical significance of this alteration remains unclear.

Genome-Nilou Lab
Classification: Uncertain significance for Adams-Oliver syndrome 5. Last evaluated: 2022-03-15. Review status: criteria provided, single submitter. Criteria: ACMG Guidelines, 2015. Collection method: clinical testing. Allele origin: germline. Affected: no.

Genome-Nilou Lab
Classification: Uncertain significance for Aortic valve disease 1. Last evaluated: 2022-03-15. Review status: criteria provided, single submitter. Criteria: ACMG Guidelines, 2015. Collection method: clinical testing. Allele origin: germline. Affected: no.

CHEO Genetics Diagnostic Laboratory, Children's Hospital of Eastern Ontario
Classification: Uncertain significance for Familial thoracic aortic aneurysm and aortic dissection. Last evaluated: 2019-01-21. Review status: criteria provided, single submitter. Criteria: ACMG Guidelines, 2015. Collection method: clinical testing. Allele origin: germline.

Center for Human Genetics, Inc
Classification: Uncertain significance for Connective tissue disorder. Last evaluated: 2018-06-01. Review status: criteria provided, single submitter. Criteria: ACMG Guidelines, 2015. Collection method: clinical testing. Allele origin: germline. Affected: yes.

GeneDx
Classification: Uncertain significance. Last evaluated: 2016-12-12. Review status: criteria provided, single submitter. Criteria: GeneDx Variant Classification (06012015). Collection method: clinical testing. Allele origin: germline. Affected: yes.
Comment: A variant of uncertain significance has been identified in the NOTCH1 gene. The R2272C variant has not beenpublished as a pathogenic variant, nor has it been reported as a benign variant to our knowledge. It was not observedin approximately 6,200 individuals of European and African American ancestry in the NHLBI Exome SequencingProject, indicating it is not a common benign variant in these populations. In addition, the R2272C variant is anon-conservative amino acid substitution, which is likely to impact secondary protein structure as these residues differin polarity, charge, size and/or other properties. Moreover, this substitution occurs at a position that is conservedacross species, and in silico analysis predicts this variant is probably damaging to the protein structure/function.Nonetheless, this variant lacks observation in a significant number of affected individuals, segregation data, andfunctional evidence, all of which would further clarify pathogenicity.Therefore, based on the currently available information, it is unclear whether this variant is pathogenic or rare benign.This result cannot be interpreted for diagnosis or used for family member screening at this time.

Literature cited by the submitters: PubMed 33994118 (cited by Ambry Genetics).

NM_017617.5(NOTCH1):c.6814C>T (p.Arg2272Cys)

Gene: NOTCH1 (notch receptor 1; minus strand). Cytogenetic location: 9q34.3.
Variant type: single nucleotide variant.
Coding change: c.6814C>T on transcript NM_017617.5 (MANE Select); coding-DNA position 6814, C replaced by T.
Protein change: p.Arg2272Cys; replaces arginine 2272 with cysteine.
Molecular consequence: missense variant.
Genome position (GRCh38, 1-based): chr9:136,496,925, G>A on the plus strand (C>T on the coding strand, the complement: NOTCH1 is on the minus strand). VCF-style: chr9-136496925-G-A. GRCh37 (hg19) VCF-style: chr9-139391377-G-A.
Other names: c.6814C>T, p.Arg2272Cys (LRG_1122t1); short protein forms R2272C.
Identifiers: ClinVar variation 391531 (VCV000391531.15), dbSNP rs752505638, ClinGen allele CA5339813.
Genomic context (GRCh38, chr9:136,496,925, plus strand): 5'-CTCCGCTGCTGGAGCCCAGGACGGTGCTGGTGCCAGAGGCCACAGGCAGGTGGGAGAGAC[G>A]AGGTGGGCCAGTCTCAAAGGCCAGCCGGCCGCCCCCACCCAGCGCCGCCATCTCGGGCTT-3'
Protein context (NP_060087.3, residues 2262-2282): GRLAFETGPP[Arg2272Cys]LSHLPVASGT